The following is an entry in ClinVar:

ClinVar aggregate classification (germline): Uncertain significance (1 of 4 stars; one submission).

Allele frequency attached by ClinVar (database versions not stated): gnomAD 0.00004; TOPMed 0.00004.
gnomAD v4.1: 36 of 1,388,724 alleles (0.0026%); highest among the groups gnomAD compares: Admixed American, 0.011%; no homozygotes.

Submission:

GeneDx
Classification: Uncertain significance. Last evaluated: 2022-06-07. Review status: criteria provided, single submitter. Criteria: GeneDx Variant Classification Process June 2021. Collection method: clinical testing. Allele origin: germline. Affected: yes.
Comment: Not observed at significant frequency in large population cohorts (gnomAD); In silico analysis supports that this variant does not alter splicing; Has not been previously published as pathogenic or benign to our knowledge

NM_003193.5(TBCE):c.661-1251C>T

Gene: TBCE (tubulin folding cofactor E; plus strand). Cytogenetic location: 1q42.3.
Variant type: single nucleotide variant.
Coding change: c.661-1251C>T on transcript NM_003193.5 (MANE Select); 1251 bases into the intron before coding-DNA position 661, C replaced by T.
Molecular consequence: intron variant. On other transcripts: missense variant (1).
Genome position (GRCh38, 1-based): chr1:235,432,953, C>T. VCF-style: chr1-235432953-C-T. GRCh37 (hg19) VCF-style: chr1-235596268-C-T.
Other names: c.668C>T, p.Ala223Val (NM_001287801.2); c.661-1251C>T (NM_001079515.3); c.322-1251C>T (NM_001287802.2); short protein forms A223V.
Identifiers: ClinVar variation 1803460 (VCV001803460.1), dbSNP rs1237851861, ClinGen allele CA344933771.
Genomic context (GRCh38, chr1:235,432,953, plus strand): 5'-ATAATATATAATAATTTTTTGTAATTTTTTTTTTTGTAAAAAAAAAAAATTAGGCTCATG[C>T]GCAGTGTGGTGGCAGCAGGCACGGTCTCGACATGCAGAAAGACGCCAGCAAGTTCGTGGA-3'